The following is an entry in ClinVar:

ClinVar aggregate classification (germline): Likely benign. Review status: criteria provided, multiple submitters, no conflicts (2 of 4 stars). 5 submissions from 5 submitters: Likely benign (5). Last evaluated 2026-08-04.

Conditions:
GABRB2-related disorder. Also called: GABRB2-related condition.
Intellectual disability. Also called: Intellectual functioning disability; intellectual disabilities; Intellectual developmental disorder. Identifiers: MedGen C3714756, MeSH D008607, MONDO:0001071, HP:0001249.

Allele frequency attached by ClinVar (database versions not stated): ExAC 0.00006; gnomAD 0.00006 and 0.00007; gnomAD exomes 0.00006; TOPMed 0.00010.
gnomAD v4.1: 75 of 1,613,198 alleles (0.0046%); highest among the groups gnomAD compares: Admixed American, 0.027%; no homozygotes.

Submissions (5):

PreventionGenetics, part of Exact Sciences
Classification: Likely benign for GABRB2-related condition. Last evaluated: 2026-08-04. Review status: criteria provided, single submitter. Criteria: ACMG Guidelines, 2015. Collection method: clinical testing. Allele origin: germline.
Comment: This variant is classified as likely benign based on ACMG/AMP sequence variant interpretation guidelines (Richards et al. 2015 PMID: 25741868, with internal and published modifications).

Labcorp Genetics (formerly Invitae), Labcorp
Classification: Likely benign for Intellectual disability. Last evaluated: 2026-01-19. Review status: criteria provided, single submitter. Criteria: Invitae Variant Classification Sherloc (09022015). Collection method: clinical testing. Allele origin: germline.

Blueprint Genetics
Classification: Likely benign. Last evaluated: 2024-06-19. Review status: criteria provided, single submitter. Criteria: ACMG Guidelines, 2015. Collection method: clinical testing. Allele origin: germline.

GeneDx
Classification: Likely benign. Last evaluated: 2017-11-15. Review status: criteria provided, single submitter. Criteria: GeneDx Variant Classification (06012015). Collection method: clinical testing. Allele origin: germline. Affected: yes.
Comment: This variant is considered likely benign or benign based on one or more of the following criteria: it is a conservative change, it occurs at a poorly conserved position in the protein, it is predicted to be benign by multiple in silico algorithms, and/or has population frequency not consistent with disease.

Breakthrough Genomics
Classification: Likely benign. Review status: criteria provided, single submitter. Criteria: ACMG Guidelines, 2015. Collection method: not provided. Allele origin: germline. Inheritance: Autosomal dominant inheritance. Affected: yes.

NM_001371727.1(GABRB2):c.594A>G (p.Ala198=)

Gene: GABRB2 (gamma-aminobutyric acid type A receptor subunit beta2; minus strand). Cytogenetic location: 5q34.
Variant type: single nucleotide variant.
Coding change: c.594A>G on transcript NM_001371727.1 (MANE Select); coding-DNA position 594, A replaced by G.
Protein change: p.Ala198=; no amino-acid change (alanine 198 retained).
Molecular consequence: synonymous variant.
Genome position (GRCh38, 1-based): chr5:161,336,717, T>C on the plus strand (A>G on the coding strand, the complement: GABRB2 is on the minus strand). VCF-style: chr5-161336717-T-C. GRCh37 (hg19) VCF-style: chr5-160763724-T-C.
Other names: c.594A>G, p.Ala198= (NM_000813.3, NM_021911.3).
Identifiers: ClinVar variation 513365 (VCV000513365.13), dbSNP rs761307384, ClinGen allele CA3543516.